The following is an entry in ClinVar:

NM_001312909.2(FAM111A):c.532T>C (p.Ser178Pro)

Gene: FAM111A (FAM111 trypsin like peptidase A; plus strand). Cytogenetic location: 11q12.1.
Variant type: single nucleotide variant.
Coding change: c.532T>C on transcript NM_001312909.2 (MANE Select); coding-DNA position 532, T replaced by C.
Protein change: p.Ser178Pro; replaces serine 178 with proline.
Molecular consequence: missense variant.
Genome position (GRCh38, 1-based): chr11:59,152,200, T>C. VCF-style: chr11-59152200-T-C. GRCh37 (hg19) VCF-style: chr11-58919673-T-C.
Other names: c.532T>C, p.Ser178Pro (NM_001142519.3, NM_001142520.3, NM_001142521.3 and 29 more transcripts); short protein forms S178P.
Identifiers: ClinVar variation 1970016 (VCV001970016.5), dbSNP rs2496284407, ClinGen allele CA380774303.

ClinVar aggregate classification (germline): Uncertain significance (1 of 4 stars; one submission).

Submission:

Labcorp Genetics (formerly Invitae), Labcorp
Classification: Uncertain significance. Last evaluated: 2022-06-25. Review status: criteria provided, single submitter. Criteria: Invitae Variant Classification Sherloc (09022015). Collection method: clinical testing. Allele origin: germline.
Comment: This sequence change replaces serine, which is neutral and polar, with proline, which is neutral and non-polar, at codon 178 of the FAM111A protein (p.Ser178Pro). In summary, the available evidence is currently insufficient to determine the role of this variant in disease. Therefore, it has been classified as a Variant of Uncertain Significance. Algorithms developed to predict the effect of missense changes on protein structure and function output the following: SIFT: "Deleterious"; PolyPhen-2: "Benign"; Align-GVGD: "Class C0". The proline amino acid residue is found in multiple mammalian species, which suggests that this missense change does not adversely affect protein function. This variant has not been reported in the literature in individuals affected with FAM111A-related conditions. This variant is not present in population databases (gnomAD no frequency).